The following is an entry in ClinVar:

NM_001290060.2(SEMA3B):c.22G>A (p.Ala8Thr)

Gene: SEMA3B (semaphorin 3B; plus strand). Cytogenetic location: 3p21.31.
Variant type: single nucleotide variant.
Coding change: c.22G>A on transcript NM_001290060.2 (MANE Select); coding-DNA position 22, G replaced by A.
Protein change: p.Ala8Thr; replaces alanine 8 with threonine.
Molecular consequence: missense variant.
Genome position (GRCh38, 1-based): chr3:50,269,262, G>A. VCF-style: chr3-50269262-G-A. GRCh37 (hg19) VCF-style: chr3-50306694-G-A.
Other names: c.22G>A, p.Ala8Thr (NM_001005914.3, NM_001290061.1, NM_001435956.1 and 3 more transcripts); short protein forms A8T.
Identifiers: ClinVar variation 4981511 (VCV004981511.1).
Genomic context (GRCh38, chr3:50,269,262, plus strand): 5'-CACACACCCGCTGAACCCTGAGCACCCTGAGCTGCTGAGATGGGGCGGGCCGGGGCTGCC[G>A]CCGTGATCCCGGGCCTGGCCCTGCTCTGGGCAGTGGGGCTGGGGAGTGCCGCCCCCAGCC-3'
Protein context (NP_001276989.1, residues 1-18): MGRAGAA[Ala8Thr]VIPGLALLWA

ClinVar aggregate classification (germline): Uncertain significance (1 of 4 stars; one submission).

Conditions:
SEMA3B-related disorder. Also called: SEMA3B-related condition.

gnomAD v4.1: 24 of 1,537,120 alleles (0.0016%); highest among the groups gnomAD compares: African/African-American, 0.0027%; no homozygotes.

Submission:

PreventionGenetics, part of Exact Sciences
Classification: Uncertain significance for SEMA3B-related condition. Last evaluated: 2025-04-07. Review status: criteria provided, single submitter. Criteria: ACMG Guidelines, 2015. Collection method: clinical testing. Allele origin: germline.
Comment: The SEMA3B c.22G>A variant is predicted to result in the amino acid substitution p.Ala8Thr. To our knowledge, this variant has not been reported in the literature. This variant is reported in 0.0039% of alleles in individuals of European (Non-Finnish) descent in gnomAD. At this time, the clinical significance of this variant is uncertain due to the absence of conclusive functional and genetic evidence.